The following is an entry in ClinVar:

NM_000532.5(PCCB):c.799G>T (p.Ala267Ser)

Gene: PCCB (propionyl-CoA carboxylase subunit beta; plus strand). Cytogenetic location: 3q22.3.
Variant type: single nucleotide variant.
Coding change: c.799G>T on transcript NM_000532.5 (MANE Select); coding-DNA position 799, G replaced by T.
Protein change: p.Ala267Ser; replaces alanine 267 with serine.
Molecular consequence: missense variant.
Genome position (GRCh38, 1-based): chr3:136,297,987, G>T. VCF-style: chr3-136297987-G-T. GRCh37 (hg19) VCF-style: chr3-136016829-G-T.
Other names: c.859G>T, p.Ala287Ser (NM_001178014.2); short protein forms A267S, A287S.
Identifiers: ClinVar variation 2189676 (VCV002189676.1), dbSNP rs770733810, ClinGen allele CA2631874.

ClinVar aggregate classification (germline): Uncertain significance (1 of 4 stars; one submission).

Conditions:
Propionic acidemia (PROP). Also called: GLYCINEMIA, KETOTIC; HYPERGLYCINEMIA WITH KETOACIDOSIS AND LEUKOPENIA; KETOTIC HYPERGLYCINEMIA. Identifiers: Orphanet 35, MedGen C0268579, MONDO:0011628, OMIM 606054, HP:0003571.

Allele frequency attached by ClinVar (database versions not stated): TOPMed below 0.00001; ExAC 0.00001; gnomAD 0.00001; gnomAD exomes 0.00001.
gnomAD v4.1: 4 of 1,613,970 alleles (0.00025%); highest among the groups gnomAD compares: Admixed American, 0.0067%; no homozygotes.

Submission:

Labcorp Genetics (formerly Invitae), Labcorp
Classification: Uncertain significance for Propionic acidemia. Last evaluated: 2022-04-01. Review status: criteria provided, single submitter. Criteria: Invitae Variant Classification Sherloc (09022015). Collection method: clinical testing. Allele origin: germline.
Comment: This sequence change replaces alanine, which is neutral and non-polar, with serine, which is neutral and polar, at codon 267 of the PCCB protein (p.Ala267Ser). This variant is present in population databases (rs770733810, gnomAD 0.006%). This variant has not been reported in the literature in individuals affected with PCCB-related conditions. Algorithms developed to predict the effect of missense changes on protein structure and function are either unavailable or do not agree on the potential impact of this missense change (SIFT: "Deleterious"; PolyPhen-2: "Benign"; Align-GVGD: "Class C65"). In summary, the available evidence is currently insufficient to determine the role of this variant in disease. Therefore, it has been classified as a Variant of Uncertain Significance.